The following is an entry in ClinVar:

ClinVar aggregate classification (germline): Pathogenic (1 of 4 stars; one submission).

Conditions:
Polycystic kidney disease, adult type (PKD1). Also called: Polycystic Kidney, Autosomal Dominant; POLYCYSTIC KIDNEY DISEASE, ADULT, TYPE I; Polycystic Kidney Disease 1, Autosomal Dominant; Polycystic kidney disease 1; Polycystic kidney disease 1, severe; POLYCYSTIC KIDNEY DISEASE 1 WITH OR WITHOUT POLYCYSTIC LIVER DISEASE. Identifiers: MedGen C3149841, MONDO:0008263, OMIM 173900.

Submission:

Victorian Clinical Genetics Services, Murdoch Childrens Research Institute
Classification: Pathogenic for Polycystic kidney disease, adult type. Last evaluated: 2025-06-17. Review status: criteria provided, single submitter. Criteria: ACMG Guidelines, 2015. Collection method: clinical testing. Allele origin: germline. Affected: yes.
Comment: This variant is classified as Pathogenic. Evidence in support of pathogenic classification: Variant is predicted to cause nonsense-mediated decay (NMD) and loss of protein (premature termination codon is located at least 54 nucleotides upstream of the final exon-exon junction); Variant is absent from gnomAD (v2, v3 and v4); Other NMD-predicted variant(s) comparable to the one identified in this case have very strong previous evidence for pathogenicity (DECIPHER). Additional information: This variant is heterozygous; This gene is associated with autosomal dominant disease. Polycystic kidney disease 1 (MIM#173900) is predominantly caused by monoallelic variants, with rare reports of biallelic variants causing disease (OMIM); Loss of function is a known mechanism of disease in this gene and is associated with polycystic kidney disease 1 (MIM#173900); Inheritance information for this variant is not currently available in this individual.

NM_001009944.3(PKD1):c.1792G>T (p.Glu598Ter)

Gene: PKD1 (polycystin 1, transient receptor potential channel interacting; minus strand). Cytogenetic location: 16p13.3.
Variant type: single nucleotide variant.
Coding change: c.1792G>T on transcript NM_001009944.3 (MANE Select); coding-DNA position 1792, G replaced by T.
Protein change: p.Glu598Ter; replaces glutamic acid 598 with a stop codon.
Molecular consequence: nonsense.
Genome position (GRCh38, 1-based): chr16:2,116,049, C>A on the plus strand (G>T on the coding strand, the complement: PKD1 is on the minus strand). VCF-style: chr16-2116049-C-A. GRCh37 (hg19) VCF-style: chr16-2166050-C-A.
Other names: c.1792G>T, p.Glu598Ter (NM_000296.4); short protein forms E598*.
Identifiers: ClinVar variation 4531584 (VCV004531584.1).
Genomic context (GRCh38, chr16:2,116,049, plus strand): 5'-CACCTGCTGTGCTGAGGAGCCGGTACACCTGCAGCCGCAGCTGGGCGGGCCGCCGGAGCT[C>A]CTGGGTCCCAAATTCGGCCGTGGTGAGGAAGGCTTCACGGCTCAGACGCAGGCCCGGGAA-3'